The following is an entry in ClinVar:

NM_018714.3(COG1):c.2526T>C (p.Thr842=)

Gene: COG1 (component of oligomeric golgi complex 1; plus strand). Cytogenetic location: 17q25.1.
Variant type: single nucleotide variant.
Coding change: c.2526T>C on transcript NM_018714.3 (MANE Select); coding-DNA position 2526, T replaced by C.
Protein change: p.Thr842=; no amino-acid change (threonine 842 retained).
Molecular consequence: synonymous variant.
Genome position (GRCh38, 1-based): chr17:73,206,169, T>C. VCF-style: chr17-73206169-T-C. GRCh37 (hg19) VCF-style: chr17-71202308-T-C.
Identifiers: ClinVar variation 3389458 (VCV003389458.14).

ClinVar aggregate classification (germline): Likely benign (1 of 4 stars; one submission).

Submission:

CeGaT Center for Human Genetics Tuebingen
Classification: Likely benign. Last evaluated: 2024-11-01. Review status: criteria provided, single submitter. Criteria: CeGaT Center For Human Genetics Tuebingen Variant Classification Criteria Version 2. Collection method: clinical testing. Allele origin: germline. Affected: yes. Observed: 1 variant allele.
Comment: COG1: PM2:Supporting, BP4, BP7